The following is an entry in ClinVar:

ClinVar aggregate classification (germline): Uncertain significance (1 of 4 stars; one submission).

Conditions:
Alstrom syndrome (ALMS). Identifiers: Orphanet 64, MedGen C0268425, MONDO:0008763, OMIM 203800.

Submission:

Labcorp Genetics (formerly Invitae), Labcorp
Classification: Uncertain significance for Alstrom syndrome. Last evaluated: 2023-05-22. Review status: criteria provided, single submitter. Criteria: Invitae Variant Classification Sherloc (09022015). Collection method: clinical testing. Allele origin: germline.
Comment: Experimental studies and prediction algorithms are not available or were not evaluated, and the functional significance of this variant is currently unknown. In summary, the available evidence is currently insufficient to determine the role of this variant in disease. Therefore, it has been classified as a Variant of Uncertain Significance. ClinVar contains an entry for this variant (Variation ID: 2087174). This variant has not been reported in the literature in individuals affected with ALMS1-related conditions. This variant is not present in population databases (gnomAD no frequency). This sequence change replaces glutamine, which is neutral and polar, with arginine, which is basic and polar, at codon 635 of the ALMS1 protein (p.Gln635Arg).

NM_001378454.1(ALMS1):c.1901A>G (p.Gln634Arg)

Gene: ALMS1 (ALMS1 centrosome and basal body associated protein; plus strand). Cytogenetic location: 2p13.1.
Variant type: single nucleotide variant.
Coding change: c.1901A>G on transcript NM_001378454.1 (MANE Select); coding-DNA position 1901, A replaced by G.
Protein change: p.Gln634Arg; replaces glutamine 634 with arginine.
Molecular consequence: missense variant.
Genome position (GRCh38, 1-based): chr2:73,448,428, A>G. VCF-style: chr2-73448428-A-G. GRCh37 (hg19) VCF-style: chr2-73675555-A-G.
Other names: c.1904A>G, p.Gln635Arg (NM_015120.4); short protein forms Q634R, Q635R.
Identifiers: ClinVar variation 2087174 (VCV002087174.4), dbSNP rs2466092715, ClinGen allele CA347265742.
Genomic context (GRCh38, chr2:73,448,428, plus strand): 5'-TGTCAACTCTAACCTCTACTTCCTACTCACATAGAGAGAAGCCTGGTACTTTTTACCAAC[A>G]AGAGTTACCAGAGAGTAACTTAACCGAAGAGCCTTTGGAAGTTTCAGCTGCTCCTGGCCC-3'
Protein context (NP_001365383.1, residues 624-644): HREKPGTFYQ[Gln634Arg]ELPESNLTEE